The following is an entry in ClinVar:

ClinVar aggregate classification (germline): Uncertain significance. Review status: criteria provided, multiple submitters, no conflicts (2 of 4 stars). 2 submissions from 2 submitters: Uncertain significance (2). Last evaluated 2024-06-05.

Allele frequency attached by ClinVar (database versions not stated): gnomAD exomes 0.00001 and 0.00002; ExAC 0.00002; TOPMed 0.00002; gnomAD 0.00003 and 0.00004.
gnomAD v4.1: 28 of 1,610,888 alleles (0.0017%); highest among the groups gnomAD compares: East Asian, 0.0022%; no homozygotes.

Submissions (2):

Ambry Genetics
Classification: Uncertain significance. Last evaluated: 2024-06-05. Review status: criteria provided, single submitter. Criteria: Ambry Variant Classification Scheme 2023. Collection method: clinical testing. Allele origin: germline.

Labcorp Genetics (formerly Invitae), Labcorp
Classification: Uncertain significance. Last evaluated: 2023-11-27. Review status: criteria provided, single submitter. Criteria: Invitae Variant Classification Sherloc (09022015). Collection method: clinical testing. Allele origin: germline.
Comment: This sequence change replaces arginine, which is basic and polar, with cysteine, which is neutral and slightly polar, at codon 1030 of the DSCAML1 protein (p.Arg1030Cys). This variant is present in population databases (rs780926781, gnomAD 0.01%). This variant has not been reported in the literature in individuals affected with DSCAML1-related conditions. ClinVar contains an entry for this variant (Variation ID: 1415274). An algorithm developed to predict the effect of missense changes on protein structure and function (PolyPhen-2) suggests that this variant is likely to be disruptive. In summary, the available evidence is currently insufficient to determine the role of this variant in disease. Therefore, it has been classified as a Variant of Uncertain Significance.

NM_020693.4(DSCAML1):c.2908C>T (p.Arg970Cys)

Gene: DSCAML1 (DS cell adhesion molecule like 1; minus strand). Cytogenetic location: 11q23.3.
Variant type: single nucleotide variant.
Coding change: c.2908C>T on transcript NM_020693.4 (MANE Select); coding-DNA position 2908, C replaced by T.
Protein change: p.Arg970Cys; replaces arginine 970 with cysteine.
Molecular consequence: missense variant.
Genome position (GRCh38, 1-based): chr11:117,471,914, G>A on the plus strand (C>T on the coding strand, the complement: DSCAML1 is on the minus strand). VCF-style: chr11-117471914-G-A. GRCh37 (hg19) VCF-style: chr11-117342629-G-A.
Other names: c.3088C>T (NM_020693.2); short protein forms R970C.
Identifiers: ClinVar variation 1415274 (VCV001415274.7), dbSNP rs780926781, ClinGen allele CA6296855.
Genomic context (GRCh38, chr11:117,471,914, plus strand): 5'-GGGTGAGGTGCTCACCGGCCTCCTCAGTGCTGATGGTGAGCTCCTTGCTTGGTTCACTGC[G>A]GCCAATCTTGTTGAAAGAGTACATGCGGATGCTGTACACAGATGCCGGGTGCAAGTCCAC-3'
Protein context (NP_065744.3, residues 960-980): IRMYSFNKIG[Arg970Cys]SEPSKELTIS